The following is an entry in ClinVar:

NM_007194.4(CHEK2):c.742A>G (p.Ile248Val)

Gene: CHEK2 (checkpoint kinase 2; minus strand). Cytogenetic location: 22q12.1.
Variant type: single nucleotide variant.
Coding change: c.742A>G on transcript NM_007194.4 (MANE Select); coding-DNA position 742, A replaced by G.
Protein change: p.Ile248Val; replaces isoleucine 248 with valine.
Molecular consequence: missense variant.
Genome position (GRCh38, 1-based): chr22:28,711,959, T>C on the plus strand (A>G on the coding strand, the complement: CHEK2 is on the minus strand). VCF-style: chr22-28711959-T-C. GRCh37 (hg19) VCF-style: chr22-29107947-T-C.
Other names: c.79A>G, p.Ile27Val (NM_001257387.3); c.541A>G, p.Ile181Val (NM_001349956.3); c.742A>G, p.Ile248Val (NM_145862.3); c.871A>G, p.Ile291Val (NM_001005735.3); short protein forms I248V, I291V, I27V, I181V.
Identifiers: ClinVar variation 216651 (VCV000216651.31), dbSNP rs779457035, ClinGen allele CA338168.

ClinVar aggregate classification (germline): Uncertain significance. Review status: criteria provided, multiple submitters, no conflicts (2 of 4 stars). 11 submissions from 11 submitters: Uncertain significance (9). 2 of the submissions do not count toward it. Last evaluated 2026-01-22.

Conditions:
Familial ovarian cancer. Identifiers: MedGen C5679802, MONDO:0016248.
Familial cancer of breast. Also called: hereditary breast carcinoma; BREAST CANCER, FAMILIAL; Hereditary breast cancer. Identifiers: Orphanet 227535, MedGen C0346153, MONDO:0016419, OMIM 114480. Disease mechanism: loss of function.
Bone osteosarcoma. Also called: Osteosarcoma, somatic. Identifiers: Orphanet 668, MedGen C0585442, MONDO:0002629, OMIM 259500.
CHEK2-related cancer predisposition (TPDS4). Also called: CANCER PREDISPOSITION SYNDROME, CHEK2-RELATED; TUMOR PREDISPOSITION SYNDROME 4; CHEK2-related cancer susceptibility. Identifiers: Orphanet 524, MedGen C5882668, MONDO:0700271, OMIM 609265.
Prostate cancer. Also called: Malignant tumor of prostate. Identifiers: Orphanet 1331, MedGen C0376358, MONDO:0008315, HP:0012125.
Hereditary cancer-predisposing syndrome. Also called: Hereditary neoplastic syndrome; Hereditary Cancer Syndrome; Neoplastic Syndromes, Hereditary; Tumor predisposition. Identifiers: Orphanet 140162, MedGen C0027672, MeSH D009386, MONDO:0015356.

Allele frequency attached by ClinVar (database versions not stated): gnomAD exomes below 0.00001; TOPMed 0.00001; ExAC 0.00001.
gnomAD v4.1: 5 of 1,614,066 alleles (0.00031%); highest among the groups gnomAD compares: Non-Finnish European, 0.00042%; no homozygotes.

Submissions (11):

Labcorp Genetics (formerly Invitae), Labcorp
Classification: Uncertain significance for Familial cancer of breast. Last evaluated: 2026-01-22. Review status: criteria provided, single submitter. Criteria: Invitae Variant Classification Sherloc (09022015). Collection method: clinical testing. Allele origin: germline.
Comment: This sequence change replaces isoleucine, which is neutral and non-polar, with valine, which is neutral and non-polar, at codon 248 of the CHEK2 protein (p.Ile248Val). This variant is present in population databases (rs779457035, gnomAD 0.0009%). This variant has not been reported in the literature in individuals affected with CHEK2-related conditions. ClinVar contains an entry for this variant (Variation ID: 216651). An algorithm developed to predict the effect of missense changes on protein structure and function outputs the following: PolyPhen-2: "Benign". The valine amino acid residue is found in multiple mammalian species, which suggests that this missense change does not adversely affect protein function. In summary, the available evidence is currently insufficient to determine the role of this variant in disease. Therefore, it has been classified as a Variant of Uncertain Significance.

Quest Diagnostics Nichols Institute San Juan Capistrano
Classification: Uncertain significance. Last evaluated: 2025-09-18. Review status: criteria provided, single submitter. Criteria: Quest Diagnostics criteria. Collection method: clinical testing. Allele origin: unknown.
Comment: The CHEK2 c.742A>G (p.Ile248Val) variant has been reported in the published literature in an individual with ovarian cancer who carried a second CHEK2 variant of uncertain significance (PMID: 32885271 (2021)). Assessment of experimental evidence regarding the effect of this variant on protein function is inconclusive (PMID: 37449874 (2023)). The frequency of this variant in the general population (Genome Aggregation Database) is uninformative in the assessment of its pathogenicity. Analysis of this variant using bioinformatics tools for the prediction of the effect of amino acid changes on protein structure and function yielded predictions that this variant is benign. Based on the available information, we are unable to determine the clinical significance of this variant.

Ambry Genetics
Classification: Uncertain significance for Hereditary cancer-predisposing syndrome. Last evaluated: 2024-10-30. Review status: criteria provided, single submitter. Criteria: Ambry Variant Classification Scheme 2023. Collection method: clinical testing. Allele origin: germline.
Comment: The p.I248V variant (also known as c.742A>G), located in coding exon 5 of the CHEK2 gene, results from an A to G substitution at nucleotide position 742. The isoleucine at codon 248 is replaced by valine, an amino acid with highly similar properties. This variant was observed in 1/3251 individuals who met eligibility criteria for hereditary breast and ovarian cancer syndrome (Lerner-Ellis J et al. J Cancer Res Clin Oncol, 2021 Mar;147:871-879). This alteration was reported as functional in a study assessing CHEK2-complementation through quantification of KAP1 phosphorylation and CHK2 autophosphorylation in human RPE1-CHEK2-knockout cells (Stolarova L et al. Clin Cancer Res, 2023 Aug;29:3037-3050). This amino acid position is not well conserved in available vertebrate species. In addition, this alteration is predicted to be tolerated by in silico analysis. Based on the available evidence, the clinical significance of this variant remains unclear.

GeneDx
Classification: Uncertain significance. Last evaluated: 2023-07-31. Review status: criteria provided, single submitter. Criteria: GeneDx Variant Classification Process June 2021. Collection method: clinical testing. Allele origin: germline. Affected: yes.
Comment: Not observed at significant frequency in large population cohorts (gnomAD); In silico analysis supports that this missense variant does not alter protein structure/function; Has not been previously published as pathogenic or benign to our knowledge; This variant is associated with the following publications: (PMID: 19782031, 22419737)

Baylor Genetics
Classification: Uncertain significance for Familial cancer of breast. Last evaluated: 2023-06-07. Review status: criteria provided, single submitter. Criteria: ACMG Guidelines, 2015. Collection method: clinical testing. Allele origin: unknown.

Myriad Genetics, Inc.
Classification: Uncertain significance for Familial cancer of breast. Last evaluated: 2023-03-08. Review status: criteria provided, single submitter. Criteria: Myriad Autosomal Dominant, Autosomal Recessive and X-Linked Classification Criteria (2023). Collection method: clinical testing. Allele origin: unknown.
Comment: This variant is classified as a variant of uncertain significance as there is insufficient evidence to determine its impact on protein function and/or cancer risk.

Color Diagnostics, LLC DBA Color Health
Classification: Uncertain significance for Hereditary cancer-predisposing syndrome. Last evaluated: 2022-12-13. Review status: criteria provided, single submitter. Criteria: ACMG Guidelines, 2015. Collection method: clinical testing. Allele origin: germline.
Comment: This missense variant replaces isoleucine with valine at codon 248 of the CHEK2 protein. Computational prediction suggests that this variant may not impact protein structure and function (internally defined REVEL score threshold <= 0.5, PMID: 27666373). To our knowledge, functional studies have not been reported for this variant. This variant has not been reported in individuals affected with CHEK2-related disorders in the literature. This variant has been identified in 1/251380 chromosomes in the general population by the Genome Aggregation Database (gnomAD). The available evidence is insufficient to determine the role of this variant in disease conclusively. Therefore, this variant is classified as a Variant of Uncertain Significance.

Women's Health and Genetics/Laboratory Corporation of America, LabCorp
Classification: Uncertain significance. Last evaluated: 2019-05-17. Review status: criteria provided, single submitter. Criteria: LabCorp Variant Classification Summary - May 2015. Collection method: clinical testing. Allele origin: germline.
Comment: Variant summary: CHEK2 c.742A>G (p.Ile248Val) results in a conservative amino acid change located in the Protein kinase domain of the encoded protein sequence. Three of four in-silico tools predict a benign effect of the variant on protein function. The variant allele was found at a frequency of 4e-06 in 251380 control chromosomes. The available data on variant occurrences in the general population are insufficient to allow any conclusion about variant significance. To our knowledge, no occurrence of c.742A>G in individuals affected with Hereditary Breast and Ovarian Cancer and no experimental evidence demonstrating its impact on protein function have been reported. Six clinical diagnostic laboratories have submitted clinical-significance assessments for this variant to ClinVar after 2014 without evidence for independent evaluation. All laboratories classified the variant as uncertain significance. Based on the evidence outlined above, the variant was classified as uncertain significance.

Fulgent Genetics
Classification: Uncertain significance for Familial cancer of breast; Familial prostate cancer; Bone osteosarcoma; CHEK2-related cancer predisposition. Last evaluated: 2018-10-31. Review status: criteria provided, single submitter. Criteria: ACMG Guidelines, 2015. Collection method: clinical testing. Allele origin: unknown.

Counsyl
Classification: Uncertain significance for Familial cancer of breast. Last evaluated: 2018-03-12. Review status: no assertion criteria provided. Collection method: clinical testing. Allele origin: unknown. Not counted in ClinVar's aggregate classification.

Department of Pathology and Laboratory Medicine, Sinai Health System
Classification: Uncertain significance for Familial ovarian cancer. Review status: no assertion criteria provided. Collection method: clinical testing. Allele origin: unknown. Affected: yes. Study: The Canadian Open Genetics Repository (COGR). Not counted in ClinVar's aggregate classification.
Comment: The CHEK2 p.Ile248Val variant was not identified in the literature. The variant was identified in dbSNP (ID: rs779457035) as "With Uncertain significance allele" and ClinVar (classified as uncertain significance by Invitae, GeneDx, Ambry Genetics, Color and Counsyl). The variant was identified in control databases in 1 of 246160 chromosomes at a frequency of 0.000004 (Genome Aggregation Database Feb 27, 2017). The variant was observed in the European population in 1 of 111674 chromosomes (freq: 0.000009), while the variant was not observed in the African, Other, Latino, Ashkenazi Jewish, East Asian, Finnish, or South Asian populations. The p.Ile248 residue is not conserved in mammals and four out of five computational analyses (PolyPhen-2, SIFT, AlignGVGD, BLOSUM, MutationTaster) do not suggest a high likelihood of impact to the protein; however, this information is not predictive enough to rule out pathogenicity. The variant occurs outside of the splicing consensus sequence and in silico or computational prediction software programs (SpliceSiteFinder, MaxEntScan, NNSPLICE, GeneSplicer) do not predict a difference in splicing. In summary, based on the above information, the clinical significance of this variant cannot be determined with certainty at this time. This variant is classified as a variant of uncertain significance.

Literature cited by the submitters: PubMed 37449874 (cited by Quest Diagnostics Nichols Institute San Juan Capistrano and Ambry Genetics); PubMed 32885271 (cited by Quest Diagnostics Nichols Institute San Juan Capistrano and Ambry Genetics).